The following is an entry in ClinVar:

NM_000132.4(F8):c.4159del (p.Ser1387fs)

Gene: F8 (coagulation factor VIII; minus strand). Cytogenetic location: Xq28.
Variant type: Deletion.
Coding change: c.4159del on transcript NM_000132.4 (MANE Select); coding-DNA position 4159, one base deleted (T; older notation c.4159delT).
Protein change: p.Ser1387fs; shifts the reading frame from serine 1387.
Molecular consequence: frameshift variant.
Genome position (GRCh38, 1-based): chrX:154,929,631, A deleted on the plus strand (T on the coding strand, the reverse complement: F8 is on the minus strand). VCF-style (leftmost placement, unchanged base first): chrX-154929630-GA-G. GRCh37 (hg19) VCF-style: chrX-154157905-GA-G.
Other names: short protein forms S1387fs.
Identifiers: ClinVar variation 4850548 (VCV004850548.1).

ClinVar aggregate classification (germline): Pathogenic (1 of 4 stars; one submission).

Conditions:
Hereditary factor VIII deficiency disease (HEMA). Also called: AUTOSOMAL HEMOPHILIA A; Hemophilia A; Hemophilia A, congenital; HEM A; Factor 8 deficiency, congenital; HEMOPHILIA, CLASSIC. Identifiers: Orphanet 98878, MedGen C0019069, MONDO:0010602, OMIM 306700.

Submission:

Clinical Genetics Laboratory, Skane University Hospital Lund
Classification: Pathogenic for Hereditary factor VIII deficiency disease. Last evaluated: 2026-05-05. Review status: criteria provided, single submitter. Criteria: ACMG Guidelines, 2015. Collection method: clinical testing. Allele origin: germline. Inheritance: X-linked inheritance. Affected: yes.
Comment: F8 (NM_000132.4) c.4159del, p.(Ser1387Leufs*37) represents a single base-pair deletion in exon 14 of 26, resulting in a frameshift and a premature stop codon, and consequently a truncated protein or loss of protein expression from the allele. The variant has been classified as pathogenic using gene-specific criteria (ClinGen Coagulation Factor Deficiency Expert Panel Specifications to the ACMG/AMP Variant Interpretation Guidelines for F8, Version 2.0.0): PVS1, PS4_Supporting, PM2_Supporting.